The following is an entry in ClinVar:

ClinVar aggregate classification (germline): Conflicting classifications of pathogenicity. Review status: criteria provided, conflicting classifications (1 of 4 stars). 4 submissions from 4 submitters: Likely pathogenic (1); Uncertain significance (3). Last evaluated 2024-02-01.

Conditions:
Leukodystrophy, hypomyelinating, 18. Identifiers: MedGen C5193078, MONDO:0032730, OMIM 618404.

Allele frequency attached by ClinVar (database versions not stated): gnomAD exomes below 0.00001; ExAC 0.00001.
gnomAD v4.1: 4 of 1,614,216 alleles (0.00025%); highest among the groups gnomAD compares: South Asian, 0.0033%; no homozygotes.

Submissions (4):

Neuberg Centre For Genomic Medicine, NCGM
Classification: Uncertain significance for Leukodystrophy, hypomyelinating, 18. Last evaluated: 2024-02-01. Review status: criteria provided, single submitter. Criteria: ACMG Guidelines, 2015. Collection method: clinical testing. Allele origin: germline. Inheritance: Autosomal recessive inheritance.
Comment: The missense c.565A>G (p.Asn189Asp) variant in DEGS1 gene has been reported previously in individual(s) affected with DEGS1- related leukodystrophy (Pant et al., 2019). Additional functional studies will be required to prove the pathogenicity of this variant.

SIB Swiss Institute of Bioinformatics
Classification: Uncertain significance for Leukodystrophy, hypomyelinating, 18. Last evaluated: 2019-09-25. Review status: criteria provided, single submitter. Criteria: ACMG Guidelines, 2015. Collection method: curation. Allele origin: unknown.
Comment: This variant is interpreted as a variant of uncertain significance for Leukodystrophy, hypomyelinating, 18, autosomal recessive. The following ACMG Tag(s) were applied: PM2, PP3, PM3.

Kasturba Medical College, Manipal, Kasturba Medical College, Manipal, Manipal Academy of Higher Education, Manipal, India
Classification: Likely pathogenic for Leukodystrophy, hypomyelinating, 18. Review status: criteria provided, single submitter. Criteria: ACMG Guidelines, 2015. Collection method: clinical testing. Allele origin: inherited. Inheritance: Autosomal recessive inheritance. Affected: yes.

Suma Genomics
Classification: Uncertain significance for Leukodystrophy, hypomyelinating, 18. Review status: criteria provided, single submitter. Criteria: ACMG Guidelines, 2015. Collection method: clinical testing. Allele origin: inherited. Inheritance: Autosomal recessive inheritance. Affected: yes.

Literature cited by the submitters: PubMed 30620337 (cited by SIB Swiss Institute of Bioinformatics).

NM_003676.4(DEGS1):c.565A>G (p.Asn189Asp)

Gene: DEGS1 (delta 4-desaturase, sphingolipid 1; plus strand). Cytogenetic location: 1q42.11.
Variant type: single nucleotide variant.
Coding change: c.565A>G on transcript NM_003676.4 (MANE Select); coding-DNA position 565, A replaced by G.
Protein change: p.Asn189Asp; replaces asparagine 189 with aspartic acid.
Molecular consequence: missense variant.
Genome position (GRCh38, 1-based): chr1:224,190,059, A>G. VCF-style: chr1-224190059-A-G. GRCh37 (hg19) VCF-style: chr1-224377761-A-G.
Other names: c.565A>G, p.Asn189Asp (NM_001321541.2); c.457A>G, p.Asn153Asp (NM_001321542.2); short protein forms N153D, N189D.
Identifiers: ClinVar variation 805860 (VCV000805860.8), dbSNP rs771864122, ClinGen allele CA1413654.